The following is an entry in ClinVar:

NM_182914.3(SYNE2):c.5896T>C (p.Trp1966Arg)

Gene: SYNE2 (spectrin repeat containing nuclear envelope protein 2; plus strand). Cytogenetic location: 14q23.2.
Variant type: single nucleotide variant.
Coding change: c.5896T>C on transcript NM_182914.3 (MANE Select); coding-DNA position 5896, T replaced by C.
Protein change: p.Trp1966Arg; replaces tryptophan 1966 with arginine.
Molecular consequence: missense variant.
Genome position (GRCh38, 1-based): chr14:64,024,967, T>C. VCF-style: chr14-64024967-T-C. GRCh37 (hg19) VCF-style: chr14-64491685-T-C.
Other names: c.5896T>C, p.Trp1966Arg (NM_015180.6); short protein forms W1966R.
Identifiers: ClinVar variation 2782692 (VCV002782692.3), dbSNP rs2551143695, ClinGen allele CA389944851.
Genomic context (GRCh38, chr14:64,024,967, plus strand): 5'-TTTAGACTCCAGGATGACCATAGAAACCTGAGGAAGTGGTTGACTAATCAAGAAGAGAAA[T>C]GGAAAGGAATGGAAGAACCAGGGGAGAAAACTGAGCTGTTCTGCCAAGCTTTAGCTAGAA-3'
Protein context (NP_878918.2, residues 1956-1976): RKWLTNQEEK[Trp1966Arg]KGMEEPGEKT

ClinVar aggregate classification (germline): Uncertain significance (1 of 4 stars; one submission).

Conditions:
Emery-Dreifuss muscular dystrophy 5, autosomal dominant (EDMD5). Also called: EMERY-DREIFUSS MUSCULAR DYSTROPHY 5. Identifiers: Orphanet 261, MedGen C2751805, MONDO:0013072, OMIM 612999.

Submission:

Labcorp Genetics (formerly Invitae), Labcorp
Classification: Uncertain significance for Emery-Dreifuss muscular dystrophy 5, autosomal dominant. Last evaluated: 2024-04-02. Review status: criteria provided, single submitter. Criteria: Invitae Variant Classification Sherloc (09022015). Collection method: clinical testing. Allele origin: germline.
Comment: This sequence change replaces tryptophan, which is neutral and slightly polar, with arginine, which is basic and polar, at codon 1966 of the SYNE2 protein (p.Trp1966Arg). This variant is not present in population databases (gnomAD no frequency). This variant has not been reported in the literature in individuals affected with SYNE2-related conditions. An algorithm developed to predict the effect of missense changes on protein structure and function (PolyPhen-2) suggests that this variant is likely to be disruptive. In summary, the available evidence is currently insufficient to determine the role of this variant in disease. Therefore, it has been classified as a Variant of Uncertain Significance.